The following is an entry in ClinVar:

NM_000876.4(IGF2R):c.7043A>G (p.Asn2348Ser)

Gene: IGF2R (insulin like growth factor 2 receptor; plus strand). Cytogenetic location: 6q25.3.
Variant type: single nucleotide variant.
Coding change: c.7043A>G on transcript NM_000876.4 (MANE Select); coding-DNA position 7043, A replaced by G.
Protein change: p.Asn2348Ser; replaces asparagine 2348 with serine.
Molecular consequence: missense variant.
Genome position (GRCh38, 1-based): chr6:160,103,793, A>G. VCF-style: chr6-160103793-A-G. GRCh37 (hg19) VCF-style: chr6-160524825-A-G.
Other names: short protein forms N2348S.
Identifiers: ClinVar variation 4821270 (VCV004821270.4).
Genomic context (GRCh38, chr6:160,103,793, plus strand): 5'-TTTTTTTTTATAGGGAAACAGTGATAAGTAAGCTGACCACTTGCTGTAGGAGAAGTTCCA[A>G]CGTGTCCTACAAATACTCAAAGGTAATTTTCTGTGGCGAGTCTCTTGAAGGCCTGCCTCC-3'
Protein context (NP_000867.3, residues 2338-2358): KLTTCCRRSS[Asn2348Ser]VSYKYSKVNK

ClinVar aggregate classification (germline): Benign (1 of 4 stars; one submission).

gnomAD v4.1: 1,713 of 1,611,536 alleles (0.11%); highest among the groups gnomAD compares: East Asian, 3.1%; 33 homozygotes.

Submission:

CeGaT Center for Human Genetics Tuebingen
Classification: Benign. Last evaluated: 2026-03-01. Review status: criteria provided, single submitter. Criteria: CeGaT Center For Human Genetics Tuebingen Variant Classification Criteria Version 2. Collection method: clinical testing. Allele origin: germline. Affected: yes. Observed: 1 variant allele.
Comment: IGF2R: BP4, BS1, BS2